The following is an entry in ClinVar:

NM_053025.4(MYLK):c.4289-6C>A

Gene: MYLK (myosin light chain kinase; minus strand). Cytogenetic location: 3q21.1.
Variant type: single nucleotide variant.
Coding change: c.4289-6C>A on transcript NM_053025.4 (MANE Select); 6 bases into the intron before coding-DNA position 4289, C replaced by A.
Molecular consequence: intron variant.
Genome position (GRCh38, 1-based): chr3:123,649,200, G>T on the plus strand (C>A on the coding strand, the complement: MYLK is on the minus strand). VCF-style: chr3-123649200-G-T. GRCh37 (hg19) VCF-style: chr3-123368047-G-T.
Other names: c.3761-6C>A (NM_001321309.2); c.4082-6C>A (NM_053028.4, NM_053026.4); c.4289-6C>A (NM_053027.4).
Identifiers: ClinVar variation 509525 (VCV000509525.10), dbSNP rs200774169, ClinGen allele CA071297.

ClinVar aggregate classification (germline): Likely benign. Review status: criteria provided, multiple submitters, no conflicts (2 of 4 stars). 2 submissions from 2 submitters: Likely benign (2). Last evaluated 2024-08-28.

Conditions:
Aortic aneurysm, familial thoracic 7 (AAT7). Also called: AORTIC DISSECTION, FAMILIAL, WITH OR WITHOUT AORTIC ANEURYSM. Identifiers: MedGen C3151077, MONDO:0013418, OMIM 613780.

Allele frequency attached by ClinVar (database versions not stated): 1000 Genomes Project 30x 0.00016; 1000 Genomes Project 0.00020.
gnomAD v4.1: 5 of 1,612,334 alleles (0.00031%); highest among the groups gnomAD compares: Admixed American, 0.0017%; no homozygotes.

Submissions (2):

Labcorp Genetics (formerly Invitae), Labcorp
Classification: Likely benign for Aortic aneurysm, familial thoracic 7. Last evaluated: 2024-08-28. Review status: criteria provided, single submitter. Criteria: Invitae Variant Classification Sherloc (09022015). Collection method: clinical testing. Allele origin: germline.

GeneDx
Classification: Likely benign. Last evaluated: 2017-05-09. Review status: criteria provided, single submitter. Criteria: GeneDx Variant Classification (06012015). Collection method: clinical testing. Allele origin: germline. Affected: yes.
Comment: This variant is considered likely benign or benign based on one or more of the following criteria: it is a conservative change, it occurs at a poorly conserved position in the protein, it is predicted to be benign by multiple in silico algorithms, and/or has population frequency not consistent with disease.